The following is an entry in ClinVar:

NM_000528.4(MAN2B1):c.2248C>T (p.Arg750Trp)

Gene: MAN2B1 (mannosidase alpha class 2B member 1; minus strand). Cytogenetic location: 19p13.13.
Variant type: single nucleotide variant.
Coding change: c.2248C>T on transcript NM_000528.4 (MANE Select); coding-DNA position 2248, C replaced by T.
Protein change: p.Arg750Trp; replaces arginine 750 with tryptophan.
Molecular consequence: missense variant.
Genome position (GRCh38, 1-based): chr19:12,649,932, G>A on the plus strand (C>T on the coding strand, the complement: MAN2B1 is on the minus strand). VCF-style: chr19-12649932-G-A. GRCh37 (hg19) VCF-style: chr19-12760746-G-A.
Other names: c.2245C>T, p.Arg749Trp (NM_001173498.2); short protein forms R750W, R749W.
Identifiers: ClinVar variation 1687 (VCV000001687.91), dbSNP rs80338680, ClinGen allele CA339901.

ClinVar aggregate classification (germline): Pathogenic/Likely pathogenic. Review status: criteria provided, multiple submitters, no conflicts (2 of 4 stars). 28 submissions from 28 submitters: Pathogenic (24); Likely pathogenic (1). 3 of the submissions do not count toward it. Last evaluated 2026-08-01.

Conditions:
MAN2B1-related disorder. Also called: MAN2B1-related condition.
Inborn genetic diseases. Identifiers: MedGen C0950123, MeSH D030342.
Deficiency of alpha-mannosidase (MANSA). Also called: LYSOSOMAL ALPHA-D-MANNOSIDASE DEFICIENCY; Alpha-Mannosidosis; Mannosidosis, alpha-, types I and II. Identifiers: Orphanet 61, MedGen C0024748, MONDO:0009561, OMIM 248500.

Allele frequency attached by ClinVar (database versions not stated): 1000 Genomes Project 30x 0.00016; 1000 Genomes Project 0.00020; TOPMed 0.00014.

Submissions 1 to 14 of 28:

CeGaT Center for Human Genetics Tuebingen
Classification: Pathogenic. Last evaluated: 2026-08-01. Review status: criteria provided, single submitter. Criteria: CeGaT Center For Human Genetics Tuebingen Variant Classification Criteria Version 2. Collection method: clinical testing. Allele origin: germline. Affected: yes. Observed: 8 variant alleles.
Comment: MAN2B1: PM3:Very Strong, PM2, PP4:Moderate, PS3:Supporting

PreventionGenetics, part of Exact Sciences
Classification: Pathogenic for MAN2B1-related condition. Last evaluated: 2026-05-14. Review status: criteria provided, single submitter. Criteria: ACMG Guidelines, 2015. Collection method: clinical testing. Allele origin: germline.
Comment: The MAN2B1 c.2248C>T variant is predicted to result in the amino acid substitution p.Arg750Trp. This variant has been repeatedly reported in the homozygous or compound heterozygous state to be causative for alpha-mannosidosis (see for example Gotoda et al. 1998. PubMed ID: 9758606; Suppl. Table S1 in Riise Stensland et al. 2012. PubMed ID: 22161967). This variant is reported in 0.12% of alleles in individuals of European (Finnish) descent in gnomAD. Based on the available evidence, this variant is interpreted as pathogenic.

North West Genomic Laboratory Hub, Manchester University NHS Foundation Trust
Classification: Pathogenic for Deficiency of alpha-mannosidase. Last evaluated: 2026-02-24. Review status: criteria provided, single submitter. Criteria: ACGS Best Practice Guidelines for Variant Classification in Rare Disease 2024. Collection method: clinical testing. Allele origin: germline. Affected: yes.
Comment: PM2_Mod PM3_VStr PP3_Supp PS3_Mod

Labcorp Genetics (formerly Invitae), Labcorp
Classification: Pathogenic for Deficiency of alpha-mannosidase. Last evaluated: 2025-12-16. Review status: criteria provided, single submitter. Criteria: Invitae Variant Classification Sherloc (09022015). Collection method: clinical testing. Allele origin: germline.
Comment: This sequence change replaces arginine, which is basic and polar, with tryptophan, which is neutral and slightly polar, at codon 750 of the MAN2B1 protein (p.Arg750Trp). This variant is present in population databases (rs80338680, gnomAD 0.1%). This missense change has been observed in individuals with MAN2B1-related conditions (PMID: 9758606, 9915946, 22161967). ClinVar contains an entry for this variant (Variation ID: 1687). Invitae Evidence Modeling of protein sequence and biophysical properties (such as structural, functional, and spatial information, amino acid conservation, physicochemical variation, residue mobility, and thermodynamic stability) has been performed for this missense variant. However, the output from this modeling did not meet the statistical confidence thresholds required to predict the impact of this variant on MAN2B1 protein function. Experimental studies have shown that this missense change affects MAN2B1 function (PMID: 9758606, 15035660). For these reasons, this variant has been classified as Pathogenic.

GeneDx
Classification: Pathogenic. Last evaluated: 2025-12-10. Review status: criteria provided, single submitter. Criteria: GeneDx Variant Classification Process June 2021. Collection method: clinical testing. Allele origin: germline. Affected: yes.
Comment: In silico analysis supports that this missense variant has a deleterious effect on protein structure/function; This variant is associated with the following publications: (PMID: 19958498, 18651971, 16919251, 34429528, 15035660, 9758606, 26048034, 9915946, 34426522, 31589614, 31241255, 30548430, 31980526, 35242565, 35314707, 32531858, 37791705, 22161967)

Natera, Inc.
Classification: Pathogenic for Alpha-mannosidosis. Last evaluated: 2025-10-21. Review status: criteria provided, single submitter. Criteria: Natera Variant Classification Schema (03/2026). Collection method: clinical testing. Allele origin: germline.
Comment: The c.2248C>T variant in MAN2B1 is a missense variant predicted to cause substitution of arginine to tryptophan at amino acid 750. This variant is rare in the general population with a frequency below the threshold expected for the associated phenotype(s). This variant has been observed in one or more individuals affected with the associated recessive disease, as either homozygous or compound heterozygous with a second variant (PMID: 26048034). Additionally, this variant has been observed to segregate in affected family members (PMID: 26048034). Functional studies show that this variant may disrupt protein function (PMID: 9758606, 26048034). Computational prediction algorithms indicate this variant is likely to affect gene or protein function. Given the available evidence, this variant is classified as Pathogenic.

Revvity Omics, Revvity
Classification: Pathogenic for Deficiency of alpha-mannosidase. Last evaluated: 2025-07-23. Review status: criteria provided, single submitter. Criteria: ACMG Guidelines, 2015. Collection method: clinical testing. Allele origin: germline.

Kasturba Medical College, Manipal, Kasturba Medical College, Manipal, Manipal Academy of Higher Education, Manipal, India
Classification: Pathogenic for Deficiency of alpha-mannosidase. Last evaluated: 2025-05-26. Review status: criteria provided, single submitter. Criteria: ACMG Guidelines, 2015. Collection method: research. Allele origin: maternal. Inheritance: Autosomal recessive inheritance. Affected: yes. Observed: 1 variant allele, 1 homozygote.
Comment: Father’s sample is not available for testing. The variant is present in heterozygous state in 275 individuals in the population database gnomAD (v4.1.0) and one individual in our in-house database of 3643 exomes. The variant is not reported in homozygous state in gnomAD v4.1.0 and our in-house exome database. In silico prediction tools (REVEL, CADD_phred) are consistent in predicting the variant as damaging to MAN2B1 protein function.

Laboratory of Genetics, Children's Clinical University Hospital Latvia
Classification: Likely pathogenic. Last evaluated: 2025-02-16. Review status: criteria provided, single submitter. Criteria: ACMG Guidelines, 2015. Collection method: clinical testing. Allele origin: germline. Affected: yes.

Blueprint Genetics
Classification: Pathogenic for MAN2B1-related disorders. Last evaluated: 2024-10-01. Review status: criteria provided, single submitter. Criteria: ACMG Guidelines, 2015. Collection method: clinical testing. Allele origin: germline. Affected: yes. Observed: 5 variant alleles.

Dasa
Classification: Pathogenic. Last evaluated: 2024-06-12. Review status: criteria provided, single submitter. Criteria: DASA Assertion Criteria. Collection method: clinical testing. Allele origin: germline.
Comment: NM_000528.4(MAN2B1):c.2248C>T (p.Arg750Trp) is a missense variant that results in the substitution of arginine with tryptophan. The affected residue or protein region has prior evidence supporting clinical relevance. This variant has been reported in individuals with related phenotype. This variant has been observed in affected individuals with related phenotype in a genotype context consistent with recessive disease. Functional evidence supports a deleterious effect on the gene or gene product. Based on the available data, this variant is classified as pathogenic.

Baylor Genetics
Classification: Pathogenic for Deficiency of alpha-mannosidase. Last evaluated: 2024-03-27. Review status: criteria provided, single submitter. Criteria: ACMG Guidelines, 2015. Collection method: clinical testing. Allele origin: unknown.

Fulgent Genetics
Classification: Pathogenic for Deficiency of alpha-mannosidase. Last evaluated: 2024-02-29. Review status: criteria provided, single submitter. Criteria: ACMG Guidelines, 2015. Collection method: clinical testing. Allele origin: germline.

Greenwood Genetic Center Diagnostic Laboratories, Greenwood Genetic Center
Classification: Pathogenic for Deficiency of alpha-mannosidase. Last evaluated: 2023-11-29. Review status: criteria provided, single submitter. Criteria: ACMG Guidelines, 2015. Collection method: clinical testing. Allele origin: germline. Affected: yes.
Comment: PS3, PM2, PM3_Very Strong, PP3